The following is an entry in ClinVar:

NM_002168.4(IDH2):c.179G>A (p.Arg60His)

Gene: IDH2 (isocitrate dehydrogenase (NADP(+)) 2; minus strand). Cytogenetic location: 15q26.1.
Variant type: single nucleotide variant.
Coding change: c.179G>A on transcript NM_002168.4 (MANE Select); coding-DNA position 179, G replaced by A.
Protein change: p.Arg60His; replaces arginine 60 with histidine.
Molecular consequence: missense variant. On other transcripts: intron variant (1).
Genome position (GRCh38, 1-based): chr15:90,091,581, C>T on the plus strand (G>A on the coding strand, the complement: IDH2 is on the minus strand). VCF-style: chr15-90091581-C-T. GRCh37 (hg19) VCF-style: chr15-90634813-C-T.
Other names: c.23G>A, p.Arg8His (NM_001289910.1); c.-17-2834G>A (NM_001290114.2); short protein forms R60H, R8H.
Identifiers: ClinVar variation 4753806 (VCV004753806.2).

ClinVar aggregate classification (germline): Uncertain significance. Review status: criteria provided, multiple submitters, no conflicts (2 of 4 stars). 2 submissions from 2 submitters: Uncertain significance (2). Last evaluated 2025-07-30.

Conditions:
D-2-hydroxyglutaric aciduria 2 (D2HGA2). Identifiers: Orphanet 79315, MedGen C3150909, MONDO:0013345, OMIM 613657.

gnomAD v4.1: 11 of 1,614,088 alleles (0.00068%); highest among the groups gnomAD compares: African/African-American, 0.0013%; no homozygotes.

Submissions (2):

Labcorp Genetics (formerly Invitae), Labcorp
Classification: Uncertain significance for D-2-hydroxyglutaric aciduria 2. Last evaluated: 2025-07-30. Review status: criteria provided, single submitter. Criteria: Invitae Variant Classification Sherloc (09022015). Collection method: clinical testing. Allele origin: germline.
Comment: This sequence change replaces arginine, which is basic and polar, with histidine, which is basic and polar, at codon 60 of the IDH2 protein (p.Arg60His). The frequency data for this variant in the population databases is considered unreliable, as metrics indicate poor data quality at this position in the gnomAD database. This variant has not been reported in the literature in individuals affected with IDH2-related conditions. Invitae Evidence Modeling of protein sequence and biophysical properties (such as structural, functional, and spatial information, amino acid conservation, physicochemical variation, residue mobility, and thermodynamic stability) indicates that this missense variant is not expected to disrupt IDH2 protein function with a negative predictive value of 80%. In summary, the available evidence is currently insufficient to determine the role of this variant in disease. Therefore, it has been classified as a Variant of Uncertain Significance.

Blueprint Genetics
Classification: Uncertain significance. Last evaluated: 2022-06-16. Review status: criteria provided, single submitter. Criteria: ACMG Guidelines, 2015. Collection method: clinical testing. Allele origin: germline.